The following is an entry in ClinVar:

NM_005932.4(MIPEP):c.1924G>A (p.Ala642Thr)

Gene: MIPEP (mitochondrial intermediate peptidase; minus strand). Cytogenetic location: 13q12.12.
Variant type: single nucleotide variant.
Coding change: c.1924G>A on transcript NM_005932.4 (MANE Select); coding-DNA position 1924, G replaced by A.
Protein change: p.Ala642Thr; replaces alanine 642 with threonine.
Molecular consequence: missense variant.
Genome position (GRCh38, 1-based): chr13:23,760,142, C>T on the plus strand (G>A on the coding strand, the complement: MIPEP is on the minus strand). VCF-style: chr13-23760142-C-T. GRCh37 (hg19) VCF-style: chr13-24334281-C-T.
Other names: short protein forms A642T.
Identifiers: ClinVar variation 757963 (VCV000757963.33), dbSNP rs141693205, ClinGen allele CA6912785.
Genomic context (GRCh38, chr13:23,760,142, plus strand): 5'-ACTTACCCCCTTACCTGTTGAAAGGATCCTGTAGAAAACACTCCTTCCAAACCATGGAGG[C>T]GACCGCTCTGGACATGAGGTAAGAGTAATATCTAGCACCATACCCCACGAGGTGGCTGAA-3'
Protein context (NP_005923.3, residues 632-652): YYSYLMSRAV[Ala642Thr]SMVWKECFLQ

ClinVar aggregate classification (germline): Benign/Likely benign. Review status: criteria provided, multiple submitters, no conflicts (2 of 4 stars). 5 submissions from 5 submitters: Benign (2); Likely benign (3). Last evaluated 2025-05-23.

Conditions:
Inborn genetic diseases. Identifiers: MedGen C0950123, MeSH D030342.

Allele frequency attached by ClinVar (database versions not stated): ESP Exome Variant Server 0.00015; gnomAD exomes 0.00020 and 0.00046; TOPMed 0.00029; gnomAD 0.00031 and 0.00032; ExAC 0.00033; 1000 Genomes Project 0.00040; 1000 Genomes Project 30x 0.00047.
gnomAD v4.1: 377 of 1,614,134 alleles (0.023%); highest among the groups gnomAD compares: Admixed American, 0.047%; 2 homozygotes.

Submissions (5):

Labcorp Genetics (formerly Invitae), Labcorp
Classification: Benign. Last evaluated: 2025-05-23. Review status: criteria provided, single submitter. Criteria: Invitae Variant Classification Sherloc (09022015). Collection method: clinical testing. Allele origin: germline.

Blueprint Genetics
Classification: Likely benign. Last evaluated: 2024-02-14. Review status: criteria provided, single submitter. Criteria: ACMG Guidelines, 2015. Collection method: clinical testing. Allele origin: germline.

CeGaT Center for Human Genetics Tuebingen
Classification: Likely benign. Last evaluated: 2024-01-01. Review status: criteria provided, single submitter. Criteria: CeGaT Center For Human Genetics Tuebingen Variant Classification Criteria Version 2. Collection method: clinical testing. Allele origin: germline. Affected: yes. Observed: 1 variant allele.
Comment: MIPEP: BS2

Ambry Genetics
Classification: Likely benign for Inborn genetic diseases. Last evaluated: 2021-07-22. Review status: criteria provided, single submitter. Criteria: Ambry Variant Classification Scheme 2023. Collection method: clinical testing. Allele origin: germline.

Breakthrough Genomics
Classification: Benign. Review status: criteria provided, single submitter. Criteria: ACMG Guidelines, 2015. Collection method: not provided. Allele origin: germline. Inheritance: Autosomal recessive inheritance. Affected: yes.